The following is an entry in ClinVar:

ClinVar aggregate classification (germline): Benign. Review status: criteria provided, multiple submitters, no conflicts (2 of 4 stars). 8 submissions from 8 submitters: Benign (5). 3 of the submissions do not count toward it. Last evaluated 2026-02-01.

Conditions:
Microcephalic osteodysplastic primordial dwarfism type II (MOPD2). Also called: Microcephalic osteodysplastic primordial dwarfism with tooth abnormalities; MOPD II; OSTEODYSPLASTIC PRIMORDIAL DWARFISM, TYPE II. Identifiers: Orphanet 2637, MedGen C0432246, MONDO:0008872, OMIM 210720.

Allele frequency attached by ClinVar (database versions not stated): ExAC 0.00608; gnomAD 0.01889 and 0.02025; ESP Exome Variant Server 0.02014; gnomAD exomes 0.00193 and 0.00492; TOPMed 0.02223; 1000 Genomes Project 0.02376; 1000 Genomes Project 30x 0.02498.
gnomAD v4.1: 5,779 of 1,612,394 alleles (0.36%); highest among the groups gnomAD compares: African/African-American, 6.7%; 202 homozygotes.

Submissions (8):

Labcorp Genetics (formerly Invitae), Labcorp
Classification: Benign. Last evaluated: 2026-02-01. Review status: criteria provided, single submitter. Criteria: Invitae Variant Classification Sherloc (09022015). Collection method: clinical testing. Allele origin: germline.

ARUP Laboratories, Molecular Genetics and Genomics, ARUP Laboratories
Classification: Benign for Microcephalic osteodysplastic primordial dwarfism type II. Last evaluated: 2023-11-22. Review status: criteria provided, single submitter. Criteria: ARUP Molecular Germline Variant Investigation Process 2024. Collection method: clinical testing. Allele origin: germline.

Illumina Laboratory Services, Illumina
Classification: Benign for Microcephalic osteodysplastic primordial dwarfism type II. Last evaluated: 2018-01-13. Review status: criteria provided, single submitter. Criteria: ICSL Variant Classification Criteria 13 December 2019. Collection method: clinical testing. Allele origin: germline.
Comment: This variant was observed in the ICSL laboratory as part of a predisposition screen in an ostensibly healthy population. It had not been previously curated by ICSL or reported in the Human Gene Mutation Database (HGMD: prior to June 1st, 2018), and was therefore a candidate for classification through an automated scoring system. Utilizing variant allele frequency, disease prevalence and penetrance estimates, and inheritance mode, an automated score was calculated to assess if this variant is too frequent to cause the disease. Based on the score and internal cut-off values, a variant classified as benign is not then subjected to further curation. The score for this variant resulted in a classification of benign for this disease.

GeneDx
Classification: Benign. Last evaluated: 2015-03-03. Review status: criteria provided, single submitter. Criteria: GeneDx Variant Classification Process June 2021. Collection method: clinical testing. Allele origin: germline. Affected: yes.

Breakthrough Genomics
Classification: Benign. Review status: criteria provided, single submitter. Criteria: ACMG Guidelines, 2015. Collection method: not provided. Allele origin: germline. Inheritance: Autosomal recessive inheritance. Affected: yes.

Clinical Genetics DNA and cytogenetics Diagnostics Lab, Erasmus MC, Erasmus Medical Center
Classification: Benign. Review status: no assertion criteria provided. Collection method: clinical testing. Allele origin: germline. Affected: yes. Study: VKGL Data-share Consensus. Not counted in ClinVar's aggregate classification.

Genetic Services Laboratory, University of Chicago
Classification: Likely benign. Review status: no assertion criteria provided. Collection method: clinical testing. Allele origin: germline. Inheritance: Autosomal recessive inheritance. Not counted in ClinVar's aggregate classification.
Comment: Likely benign based on allele frequency in 1000 Genomes Project or ESP global frequency and its presence in a patient with a rare or unrelated disease phenotype. NOT Sanger confirmed

Laboratory of Diagnostic Genome Analysis, Leiden University Medical Center (LUMC)
Classification: Likely benign. Review status: no assertion criteria provided. Collection method: clinical testing. Allele origin: germline. Affected: yes. Study: VKGL Data-share Consensus. Not counted in ClinVar's aggregate classification.

NM_006031.6(PCNT):c.9014C>T (p.Thr3005Met)

Gene: PCNT (pericentrin; plus strand). Cytogenetic location: 21q22.3.
Variant type: single nucleotide variant.
Coding change: c.9014C>T on transcript NM_006031.6 (MANE Select); coding-DNA position 9014, C replaced by T.
Protein change: p.Thr3005Met; replaces threonine 3005 with methionine.
Molecular consequence: missense variant.
Genome position (GRCh38, 1-based): chr21:46,436,996, C>T. VCF-style: chr21-46436996-C-T. GRCh37 (hg19) VCF-style: chr21-47856909-C-T.
Other names: c.8423C>T, p.Thr2808Met (NM_001315529.2); short protein forms T3005M, T2808M.
Identifiers: ClinVar variation 159686 (VCV000159686.29), dbSNP rs60078675, ClinGen allele CA173138.
Genomic context (GRCh38, chr21:46,436,996, plus strand): 5'-TTGGGGCGCGTATGCAACTTTGAGTGCCCATTTATTTTTACAGGACAGTTAATGATTGGA[C>T]GTCATCCAATGAGAAAGCAGTGATGTCTTTACTGCACACGTTGGAGGAGCTGAAGTCTGA-3'
Protein context (NP_006022.3, residues 2995-3015): QAVDRTVNDW[Thr3005Met]SSNEKAVMSL